The following is an entry in ClinVar:

ClinVar aggregate classification (germline): Uncertain significance (1 of 4 stars; one submission).

Conditions:
Juvenile onset Parkinson disease 19A. Also called: DNAJC6 Parkinson Disease; PARK19. Identifiers: Orphanet 391411, MedGen C3809811, MONDO:0014231, OMIM 615528.

Allele frequency attached by ClinVar (database versions not stated): TOPMed below 0.00001.
gnomAD v4.1: 10 of 1,512,746 alleles (0.00066%); highest among the groups gnomAD compares: Non-Finnish European, 0.0008%; no homozygotes.

Submission:

Labcorp Genetics (formerly Invitae), Labcorp
Classification: Uncertain significance for Juvenile onset Parkinson disease 19A. Last evaluated: 2022-08-06. Review status: criteria provided, single submitter. Criteria: Invitae Variant Classification Sherloc (09022015). Collection method: clinical testing. Allele origin: germline.
Comment: This sequence change replaces valine, which is neutral and non-polar, with leucine, which is neutral and non-polar, at codon 632 of the DNAJC6 protein (p.Val632Leu). This variant is not present in population databases (gnomAD no frequency). This variant has not been reported in the literature in individuals affected with DNAJC6-related conditions. Algorithms developed to predict the effect of missense changes on protein structure and function output the following: SIFT: "Tolerated"; PolyPhen-2: "Benign"; Align-GVGD: "Class C0". The leucine amino acid residue is found in multiple mammalian species, which suggests that this missense change does not adversely affect protein function. In summary, the available evidence is currently insufficient to determine the role of this variant in disease. Therefore, it has been classified as a Variant of Uncertain Significance.

NM_001256864.2(DNAJC6):c.1894G>C (p.Val632Leu)

Gene: DNAJC6 (DnaJ heat shock protein family (Hsp40) member C6; plus strand). Cytogenetic location: 1p31.3.
Variant type: single nucleotide variant.
Coding change: c.1894G>C on transcript NM_001256864.2 (MANE Select); coding-DNA position 1894, G replaced by C.
Protein change: p.Val632Leu; replaces valine 632 with leucine.
Molecular consequence: missense variant.
Genome position (GRCh38, 1-based): chr1:65,392,856, G>C. VCF-style: chr1-65392856-G-C. GRCh37 (hg19) VCF-style: chr1-65858539-G-C.
Other names: c.1684G>C, p.Val562Leu (NM_001256865.2); c.1723G>C, p.Val575Leu (NM_014787.4); short protein forms V562L, V575L, V632L.
Identifiers: ClinVar variation 1974739 (VCV001974739.5), dbSNP rs1312034761, ClinGen allele CA340689867.